The following is an entry in ClinVar:

ClinVar aggregate classification (germline): Uncertain significance (1 of 4 stars; one submission).

Allele frequency attached by ClinVar (database versions not stated): gnomAD exomes below 0.00001.
gnomAD v4.1: 2 of 1,596,060 alleles (0.00013%); highest among the groups gnomAD compares: Non-Finnish European, 0.00017%; no homozygotes.

Submission:

GeneDx
Classification: Uncertain significance. Last evaluated: 2022-09-20. Review status: criteria provided, single submitter. Criteria: GeneDx Variant Classification Process June 2021. Collection method: clinical testing. Allele origin: germline. Affected: yes.
Comment: Not observed at significant frequency in large population cohorts (gnomAD); In silico analysis supports that this missense variant does not alter protein structure/function; Has not been previously published as pathogenic or benign to our knowledge

NM_006265.3(RAD21):c.874G>A (p.Asp292Asn)

Gene: RAD21 (RAD21 cohesin complex component; minus strand). Cytogenetic location: 8q24.11.
Variant type: single nucleotide variant.
Coding change: c.874G>A on transcript NM_006265.3 (MANE Select); coding-DNA position 874, G replaced by A.
Protein change: p.Asp292Asn; replaces aspartic acid 292 with asparagine.
Molecular consequence: missense variant.
Genome position (GRCh38, 1-based): chr8:116,856,229, C>T on the plus strand (G>A on the coding strand, the complement: RAD21 is on the minus strand). VCF-style: chr8-116856229-C-T. GRCh37 (hg19) VCF-style: chr8-117868468-C-T.
Other names: short protein forms D292N.
Identifiers: ClinVar variation 2444542 (VCV002444542.1), dbSNP rs2130466389, ClinGen allele CA372002648.
Genomic context (GRCh38, chr8:116,856,229, plus strand): 5'-TTATATCAATAGGCTCCAATGCAAATGCTTCTTCCTCATTTGGAACAAGTGTTGTTTGAT[C>T]AGTCATGGTTGGCATTGGTTCAACGGGATCCACTGAATCAGGACTATCAGGCCCACCCAC-3'
Protein context (NP_006256.1, residues 282-302): DPVEPMPTMT[Asp292Asn]QTTLVPNEEE